The following is an entry in ClinVar:

ClinVar aggregate classification (germline): Pathogenic (1 of 4 stars; one submission).

Conditions:
Familial thoracic aortic aneurysm and aortic dissection (TAAD). Also called: Thoracic aortic aneurysms and dissections. Identifiers: Orphanet 91387, MedGen C4707243, MONDO:0019625.
Marfan syndrome (MFS). Also called: Marfan syndrome type 1; Marfan syndrome, classic; Marfan's syndrome; FBN1-Related Marfan Syndrome; MARFAN SYNDROME, TYPE I. Identifiers: Orphanet 284963, Orphanet 558, MedGen C0024796, MONDO:0007947, OMIM 154700.

Submission:

Labcorp Genetics (formerly Invitae), Labcorp
Classification: Pathogenic for Marfan syndrome; Familial thoracic aortic aneurysm and aortic dissection. Last evaluated: 2017-12-11. Review status: criteria provided, single submitter. Criteria: Invitae Variant Classification Sherloc (09022015). Collection method: clinical testing. Allele origin: germline.
Comment: Loss-of-function variants in FBN1 are known to be pathogenic (PMID: 17657824, 19293843). For these reasons, this variant has been classified as Pathogenic. This variant has not been reported in the literature in individuals with FBN1-related disease. This variant is not present in population databases (ExAC no frequency). This sequence change creates a premature translational stop signal (p.Glu963Argfs*34) in the FBN1 gene. It is expected to result in an absent or disrupted protein product.

Literature cited by the submitters: PubMed 17657824; PubMed 19293843.

NM_000138.5(FBN1):c.2887_2893del (p.Glu963fs)

Gene: FBN1 (fibrillin 1; minus strand). Cytogenetic location: 15q21.1.
Variant type: Deletion.
Coding change: c.2887_2893del on transcript NM_000138.5 (MANE Select); coding-DNA positions 2887 to 2893, 7 bases deleted (GAGGACG; older notation c.2887_2893delGAGGACG).
Protein change: p.Glu963fs; shifts the reading frame from glutamic acid 963.
Molecular consequence: frameshift variant.
Genome position (GRCh38, 1-based): chr15:48,490,040-48,490,046, CGTCCTC deleted on the plus strand (GAGGACG on the coding strand, the reverse complement: FBN1 is on the minus strand). VCF-style (leftmost placement, unchanged base first): chr15-48490039-TCGTCCTC-T. GRCh37 (hg19) VCF-style: chr15-48782236-TCGTCCTC-T.
Other names: c.2887_2893delGAGGACG (NM_000138.4); short protein forms E963fs.
Identifiers: ClinVar variation 527161 (VCV000527161.6), dbSNP rs1555398832, ClinGen allele CA658798374.